The following is an entry in ClinVar:

ClinVar aggregate classification (germline): Uncertain significance. Review status: criteria provided, multiple submitters, no conflicts (2 of 4 stars). 2 submissions from 2 submitters: Uncertain significance (2). Last evaluated 2024-02-11.

gnomAD v4.1: 2 of 1,613,842 alleles (0.00012%); highest among the groups gnomAD compares: Non-Finnish European, 0.00017%; no homozygotes.

Submissions (2):

Labcorp Genetics (formerly Invitae), Labcorp
Classification: Uncertain significance. Last evaluated: 2024-02-11. Review status: criteria provided, single submitter. Criteria: Invitae Variant Classification Sherloc (09022015). Collection method: clinical testing. Allele origin: germline.
Comment: This sequence change replaces valine, which is neutral and non-polar, with leucine, which is neutral and non-polar, at codon 1471 of the FLNB protein (p.Val1471Leu). This variant is present in population databases (no rsID available, gnomAD 0.0009%). This variant has not been reported in the literature in individuals affected with FLNB-related conditions. ClinVar contains an entry for this variant (Variation ID: 811922). Advanced modeling of protein sequence and biophysical properties (such as structural, functional, and spatial information, amino acid conservation, physicochemical variation, residue mobility, and thermodynamic stability) performed at Invitae indicates that this missense variant is not expected to disrupt FLNB protein function with a negative predictive value of 95%. In summary, the available evidence is currently insufficient to determine the role of this variant in disease. Therefore, it has been classified as a Variant of Uncertain Significance.

ARUP Laboratories, Molecular Genetics and Genomics, ARUP Laboratories
Classification: Uncertain significance. Last evaluated: 2019-02-26. Review status: criteria provided, single submitter. Criteria: ARUP Molecular Germline Variant Investigation Process. Collection method: clinical testing. Allele origin: germline.
Comment: The FLNB c.4411G>C; p.Val1471Leu variant (rs12632456), to our knowledge, is not described in the medical literature or in gene-specific databases. It is observed on 1 allele in the Genome Aggregation Database. The valine at codon 1471 is moderately conserved, but computational algorithms (PolyPhen-2: benign, SIFT: damaging) predict conflicting effects of this variat on protein structure/function. Due to the lack of clinical and functional data regarding this variant, its clinical significance cannot be determined with certainty.

NM_001457.4(FLNB):c.4411G>C (p.Val1471Leu)

Gene: FLNB (filamin B; plus strand). Cytogenetic location: 3p14.3.
Variant type: single nucleotide variant.
Coding change: c.4411G>C on transcript NM_001457.4 (MANE Select); coding-DNA position 4411, G replaced by C.
Protein change: p.Val1471Leu; replaces valine 1471 with leucine.
Molecular consequence: missense variant.
Genome position (GRCh38, 1-based): chr3:58,132,828, G>C. VCF-style: chr3-58132828-G-C. GRCh37 (hg19) VCF-style: chr3-58118555-G-C.
Other names: c.4504G>C, p.Val1502Leu (NM_001164317.2); c.4411G>C, p.Val1471Leu (NM_001164318.2, NM_001164319.2); short protein forms V1471L, V1502L.
Identifiers: ClinVar variation 811922 (VCV000811922.11), dbSNP rs12632456, ClinGen allele CA353351207.